The following is an entry in ClinVar:

ClinVar aggregate classification (germline): Uncertain significance (1 of 4 stars; one submission).

Allele frequency attached by ClinVar (database versions not stated): gnomAD 0.00001; 1000 Genomes Project 0.00020; 1000 Genomes Project 30x 0.00031.
gnomAD v4.1: 1 of 1,613,962 alleles (0.000062%); highest among the groups gnomAD compares: Admixed American, 0.0017%; no homozygotes.

Submission:

Labcorp Genetics (formerly Invitae), Labcorp
Classification: Uncertain significance. Last evaluated: 2023-06-03. Review status: criteria provided, single submitter. Criteria: Invitae Variant Classification Sherloc (09022015). Collection method: clinical testing. Allele origin: germline.
Comment: This sequence change replaces lysine, which is basic and polar, with arginine, which is basic and polar, at codon 541 of the ZNF341 protein (p.Lys541Arg). This variant is not present in population databases (gnomAD no frequency). This variant has not been reported in the literature in individuals affected with ZNF341-related conditions. Algorithms developed to predict the effect of missense changes on protein structure and function output the following: SIFT: "Not Available"; PolyPhen-2: "Benign"; Align-GVGD: "Not Available". The arginine amino acid residue is found in multiple mammalian species, which suggests that this missense change does not adversely affect protein function. Algorithms developed to predict the effect of sequence changes on RNA splicing suggest that this variant may create or strengthen a splice site. In summary, the available evidence is currently insufficient to determine the role of this variant in disease. Therefore, it has been classified as a Variant of Uncertain Significance.

NM_001282933.2(ZNF341):c.1643A>G (p.Lys548Arg)

Gene: ZNF341 (zinc finger protein 341; plus strand). Cytogenetic location: 20q11.22.
Variant type: single nucleotide variant.
Coding change: c.1643A>G on transcript NM_001282933.2 (MANE Select); coding-DNA position 1643, A replaced by G.
Protein change: p.Lys548Arg; replaces lysine 548 with arginine.
Molecular consequence: missense variant.
Genome position (GRCh38, 1-based): chr20:33,781,311, A>G. VCF-style: chr20-33781311-A-G. GRCh37 (hg19) VCF-style: chr20-32369117-A-G.
Other names: c.1373A>G, p.Lys458Arg (NM_001282935.2); c.1622A>G, p.Lys541Arg (NM_032819.5); short protein forms K541R, K458R, K548R.
Identifiers: ClinVar variation 2979083 (VCV002979083.3), dbSNP rs187210470, ClinGen allele CA313306250.